The following is an entry in ClinVar:

NM_015443.4(KANSL1):c.1848+3C>T

Gene: KANSL1 (KAT8 regulatory NSL complex subunit 1). Cytogenetic location: 17q21.31.
Variant type: single nucleotide variant.
Coding change: c.1848+3C>T on transcript NM_015443.4 (MANE Select); 3 bases into the intron after coding-DNA position 1848, C replaced by T.
Molecular consequence: intron variant.
Genome position (GRCh38, 1-based): chr17:46,066,534, G>A on the plus strand (C>T on the coding strand, the complement: KANSL1 is on the minus strand). VCF-style: chr17-46066534-G-A. GRCh37 (hg19) VCF-style: chr17-44143900-G-A.
Other names: c.1848+3C>T (NM_001193465.2, NM_001379198.1, NM_001193466.2).
Identifiers: ClinVar variation 948858 (VCV000948858.10), dbSNP rs763185589, ClinGen allele CA8618714.

ClinVar aggregate classification (germline): Uncertain significance. Review status: criteria provided, multiple submitters, no conflicts (2 of 4 stars). 2 submissions from 2 submitters: Uncertain significance (2). Last evaluated 2024-06-22.

Conditions:
Koolen-de Vries syndrome (KDVS). Identifiers: Orphanet 96169, MedGen C1864871, MONDO:0012496, OMIM 610443.

Allele frequency attached by ClinVar (database versions not stated): ExAC 0.00001; gnomAD exomes 0.00001; gnomAD 0.00003 and 0.00004; TOPMed 0.00004.
gnomAD v4.1: 19 of 1,608,960 alleles (0.0012%); highest among the groups gnomAD compares: East Asian, 0.0067%; no homozygotes.

Submissions (2):

Labcorp Genetics (formerly Invitae), Labcorp
Classification: Uncertain significance for Koolen-de Vries syndrome. Last evaluated: 2024-06-22. Review status: criteria provided, single submitter. Criteria: Invitae Variant Classification Sherloc (09022015). Collection method: clinical testing. Allele origin: germline.
Comment: This sequence change falls in intron 6 of the KANSL1 gene. It does not directly change the encoded amino acid sequence of the KANSL1 protein. It affects a nucleotide within the consensus splice site. This variant is present in population databases (rs763185589, gnomAD 0.004%). This variant has not been reported in the literature in individuals affected with KANSL1-related conditions. ClinVar contains an entry for this variant (Variation ID: 948858). Variants that disrupt the consensus splice site are a relatively common cause of aberrant splicing (PMID: 17576681, 9536098). Algorithms developed to predict the effect of sequence changes on RNA splicing suggest that this variant is not likely to affect RNA splicing. In summary, the available evidence is currently insufficient to determine the role of this variant in disease. Therefore, it has been classified as a Variant of Uncertain Significance.

Fulgent Genetics
Classification: Uncertain significance for Koolen-de Vries syndrome. Last evaluated: 2022-04-21. Review status: criteria provided, single submitter. Criteria: ACMG Guidelines, 2015. Collection method: clinical testing. Allele origin: unknown.

Literature cited by the submitters: PubMed 17576681 (cited by Labcorp Genetics (formerly Invitae), Labcorp); PubMed 9536098 (cited by Labcorp Genetics (formerly Invitae), Labcorp).